The following is an entry in ClinVar:

ClinVar aggregate classification (germline): Pathogenic/Likely pathogenic. Review status: criteria provided, multiple submitters, no conflicts (2 of 4 stars). 8 submissions from 8 submitters: Pathogenic (1); Likely pathogenic (5). 2 of the submissions do not count toward it. Last evaluated 2025-09-24.

Conditions:
Mucopolysaccharidosis, MPS-IV-A (MPS4A). Also called: MPS IVA; mucopolysaccharidosis type 4A; Mucopolysaccharidosis type IV A; Morquio syndrome A, mild; MORQUIO SYNDROME A; GALACTOSAMINE-6-SULFATASE DEFICIENCY. Identifiers: Orphanet 309297, Orphanet 582, MedGen C0086651, MONDO:0009659, OMIM 253000.
Morquio syndrome. Also called: Mucopolysaccharidosis, Type IV; MPS IV; Mucopolysaccharidosis type 4; Eccentrochondrodysplasia. Identifiers: Orphanet 582, MedGen C0026707, MONDO:0018938.

Allele frequency attached by ClinVar (database versions not stated): ExAC below 0.00001.
gnomAD v4.1: 3 of 1,582,318 alleles (0.00019%); highest among the groups gnomAD compares: Middle Eastern, 0.017%; no homozygotes.

Submissions (8):

3billion
Classification: Likely pathogenic for Mucopolysaccharidosis, MPS-IV-A. Last evaluated: 2025-09-24. Review status: criteria provided, single submitter. Criteria: ACMG Guidelines, 2015. Collection method: clinical testing. Allele origin: germline. Affected: yes.
Comment: The variant is observed at an extremely low frequency in the gnomAD v4.1.0 dataset (total allele frequency: <0.001%). Predicted Consequence/Location: Missense variant In silico tool predictions suggest damaging effect of the variant on gene or gene product [REVEL: 0.84 (>=0.6, sensitivity 0.68 and specificity 0.92)]. The same nucleotide change resulting in the same amino acid change has been previously reported as pathogenic/likely pathogenic with strong evidence (ClinVar ID: VCV000800974 /PMID: 24726177). Therefore, this variant is classified as Likely pathogenic according to the recommendation of ACMG/AMP guideline.

Genomic Medicine Center of Excellence, King Faisal Specialist Hospital and Research Centre
Classification: Likely pathogenic for Mucopolysaccharidosis, MPS-IV-A. Last evaluated: 2024-03-17. Review status: criteria provided, single submitter. Criteria: ACMG Guidelines, 2015. Collection method: research. Allele origin: germline.

Laboratory for Molecular Medicine, Mass General Brigham Personalized Medicine
Classification: Likely pathogenic for Morquio syndrome. Last evaluated: 2022-08-26. Review status: criteria provided, single submitter. Criteria: ACMG Guidelines, 2015. Collection method: clinical testing. Allele origin: germline.
Comment: The p.Ala492Thr in GALNS has been reported in 1 homozygous and 1 compound heterozygous invidivuals with mucopolysaccharidosis type 4A (MPS IVA, aka Morquio syndrome A) (Morrone 2014 PMID: 24726177, Bertoli-Avella 2021 PMID: 32860008), and was absent in large population databases. Measurement of GALNS activity from leukocytes or cultured fibroblasts from the homozygous patient above showed low to absent activity (Morrone 2014 PMID: 24726177). Computational prediction tools and conservation analyses suggest that this variant may impact the protein, though this information is not predictive enough to determine pathogenicity. In summary, although additional studies are required to fully establish its clinical significance, this variant meets criteria to be classified as likely pathogenic for MPS IVA in an autosomal recessive manner. ACMG/AMP Criteria applied: PM3, PM2_Supporting, PS3, PP3.

Genome-Nilou Lab
Classification: Likely pathogenic for Mucopolysaccharidosis, MPS-IV-A. Last evaluated: 2021-11-07. Review status: criteria provided, single submitter. Criteria: ACMG Guidelines, 2015. Collection method: clinical testing. Allele origin: germline. Affected: no.

Labcorp Genetics (formerly Invitae), Labcorp
Classification: Likely pathogenic for Mucopolysaccharidosis, MPS-IV-A. Last evaluated: 2021-06-23. Review status: criteria provided, single submitter. Criteria: Invitae Variant Classification Sherloc (09022015). Collection method: clinical testing. Allele origin: germline.
Comment: In summary, the currently available evidence indicates that the variant is pathogenic, but additional data are needed to prove that conclusively. Therefore, this variant has been classified as Likely Pathogenic. Advanced modeling of protein sequence and biophysical properties (such as structural, functional, and spatial information, amino acid conservation, physicochemical variation, residue mobility, and thermodynamic stability) performed at Invitae indicates that this missense variant is expected to disrupt GALNS protein function. ClinVar contains an entry for this variant (Variation ID: 800974). This variant has been observed in individuals with clinical features of mucopolysaccaridosis type IVA (PMID: 24726177, 32860008). The frequency data for this variant in the population databases is considered unreliable, as metrics indicate poor data quality at this position in the ExAC database. This sequence change replaces alanine with threonine at codon 492 of the GALNS protein (p.Ala492Thr). The alanine residue is highly conserved and there is a small physicochemical difference between alanine and threonine.

CENTOGENE GmbH and LLC - Guiding Precision Medicine
Classification: Pathogenic for Mucopolysaccharidosis, MPS-IV-A. Review status: criteria provided, single submitter. Criteria: ACMG Guidelines, 2015. Collection method: clinical testing. Allele origin: germline. Affected: yes.

Biochemical Molecular Genetic Laboratory, King Abdulaziz Medical City
Classification: Pathogenic for Mucopolysaccharidosis, MPS-IV-A. Last evaluated: 2019-09-26. Review status: no assertion criteria provided. Collection method: clinical testing. Allele origin: germline. Affected: yes. Not counted in ClinVar's aggregate classification.

Laboratory of Diagnosis and Therapy of Lysosomal Disorders, University of Padova
Classification: Uncertain significance for Mucopolysaccharidosis, MPS-IV-A. Last evaluated: 2021-02-01. Review status: flagged submission. Criteria: ACMG Guidelines, 2015. Collection method: research. Allele origin: germline. Affected: yes. Not counted in ClinVar's aggregate classification.
Comment: In vivo functional studies supportive of a damaging effect on the gene product (low to null enzymatic activity in homozygotes; PS3_supporting); absent from gnomAD v2.1.1 (PM2_moderate); multiple lines of computational evidence support a deleterious effect on the gene (PP3_supporting)
ClinVar note: Reason: Outlier claim with insufficient supporting evidence

Literature cited by the submitters: PubMed 24726177 (cited by 3 submitters); PubMed 32860008 (cited by Labcorp Genetics (formerly Invitae), Labcorp and CENTOGENE GmbH and LLC - Guiding Precision Medicine); PubMed 34387910 (cited by Laboratory of Diagnosis and Therapy of Lysosomal Disorders, University of Padova).

NM_000512.5(GALNS):c.1474G>A (p.Ala492Thr)

Genes: GALNS (galactosamine (N-acetyl)-6-sulfatase; minus strand), LOC126862447 (CDK7 strongly-dependent group 2 enhancer GRCh37_chr16:88884193-88885392; plus strand). Cytogenetic location: 16q24.3.
Variant type: single nucleotide variant.
Coding change: c.1474G>A on transcript NM_000512.5 (MANE Select); coding-DNA position 1474, G replaced by A.
Protein change: p.Ala492Thr; replaces alanine 492 with threonine.
Molecular consequence: missense variant.
Genome position (GRCh38, 1-based): chr16:88,818,015, C>T on the plus strand (G>A on the coding strand, the complement: GALNS is on the minus strand). VCF-style: chr16-88818015-C-T. GRCh37 (hg19) VCF-style: chr16-88884423-C-T.
Other names: c.919G>A, p.Ala307Thr (NM_001323543.2); c.1492G>A, p.Ala498Thr (NM_001323544.2); short protein forms A492T, A498T, A307T.
Identifiers: ClinVar variation 800974 (VCV000800974.19), dbSNP rs760300454, ClinGen allele CA8234658.
Genomic context (GRCh38, chr16:88,818,015, plus strand): 5'-GGGTGGCTGCAGCCCCGGCAAAGAGACGGCCGCCCACACACCAGCCACTTACCATGACCG[C>T]CCAGTTGCACACGTTGAGCTGGGGCTGCGCGGGGACCAAGGCCTCCTGGTGCTGCTGGAC-3'
Protein context (NP_000503.1, residues 482-502): AQPQLNVCNW[Ala492Thr]VMNWAPPGCE